The following is an entry in ClinVar:

NM_001365276.2(TNXB):c.418C>T (p.Arg140Trp)

Gene: TNXB (tenascin XB; minus strand). Cytogenetic location: 6p21.33.
Variant type: single nucleotide variant.
Coding change: c.418C>T on transcript NM_001365276.2 (MANE Select); coding-DNA position 418, C replaced by T.
Protein change: p.Arg140Trp; replaces arginine 140 with tryptophan.
Molecular consequence: missense variant.
Genome position (GRCh38, 1-based): chr6:32,097,435, G>A on the plus strand (C>T on the coding strand, the complement: TNXB is on the minus strand). VCF-style: chr6-32097435-G-A. GRCh37 (hg19) VCF-style: chr6-32065212-G-A.
Other names: c.418C>T, p.Arg140Trp (NM_019105.8); short protein forms R140W.
Identifiers: ClinVar variation 451235 (VCV000451235.3), dbSNP rs1420372911, ClinGen allele CA363489046.

ClinVar aggregate classification (germline): Uncertain significance. Review status: criteria provided, multiple submitters, no conflicts (2 of 4 stars). 2 submissions from 2 submitters: Uncertain significance (2). Last evaluated 2026-07-09.

Conditions:
Cardiovascular phenotype. Identifiers: MedGen CN230736.

Allele frequency attached by ClinVar (database versions not stated): gnomAD exomes below 0.00001; TOPMed 0.00001.
gnomAD v4.1: 6 of 1,596,726 alleles (0.00038%); highest among the groups gnomAD compares: Non-Finnish European, 0.00026%; no homozygotes.

Submissions (2):

Ambry Genetics
Classification: Uncertain significance for Cardiovascular phenotype. Last evaluated: 2026-07-09. Review status: criteria provided, single submitter. Criteria: Ambry Variant Classification Scheme 2023. Collection method: clinical testing. Allele origin: germline.
Comment: The p.R140W variant (also known as c.418C>T), located in coding exon 2 of the TNXB gene, results from a C to T substitution at nucleotide position 418. The arginine at codon 140 is replaced by tryptophan, an amino acid with dissimilar properties. This amino acid position is conserved. In addition, the in silico prediction for this alteration is inconclusive. Based on the available evidence, the clinical significance of this variant remains unclear.

GeneDx
Classification: Uncertain significance. Last evaluated: 2017-08-15. Review status: criteria provided, single submitter. Criteria: GeneDx Variant Classification (06012015). Collection method: clinical testing. Allele origin: germline. Affected: yes.
Comment: The R140W variant in the TNXB gene has not been reported previously as a pathogenic variant, nor as a benign variant, to our knowledge. The R140W variant is not observed in large population cohorts (Lek et al., 2016; 1000 Genomes Consortium et al., 2015; Exome Variant Server). The R140W variant is a non-conservative amino acid substitution, which is likely to impact secondary protein structure as these residues differ in polarity, charge, size and/or other properties. This substitution occurs at a position that is conserved in mammals. In silico analysis is inconsistent in its predictions as to whether or not the variant is damaging to the protein structure/function. We interpret R140W as a variant of uncertain significance.